The following is an entry in ClinVar:

NM_001127222.2(CACNA1A):c.3989C>T (p.Thr1330Ile)

Genes: CACNA1A (calcium voltage-gated channel subunit alpha1 A; minus strand), LOC126862865 (CDK7 strongly-dependent group 2 enhancer GRCh37_chr19:13385818-13387017; plus strand). Cytogenetic location: 19p13.13.
Variant type: single nucleotide variant.
Coding change: c.3989C>T on transcript NM_001127222.2 (MANE Select); coding-DNA position 3989, C replaced by T.
Protein change: p.Thr1330Ile; replaces threonine 1330 with isoleucine.
Molecular consequence: missense variant.
Genome position (GRCh38, 1-based): chr19:13,275,850, G>A on the plus strand (C>T on the coding strand, the complement: CACNA1A is on the minus strand). VCF-style: chr19-13275850-G-A. GRCh37 (hg19) VCF-style: chr19-13386664-G-A.
Other names: c.4001C>T, p.Thr1334Ile (NM_000068.4, NM_023035.3); c.3992C>T, p.Thr1331Ile (NM_001127221.2, NM_001174080.2); short protein forms T1331I, T1334I, T1330I.
Identifiers: ClinVar variation 588793 (VCV000588793.7), dbSNP rs976060126, ClinGen allele CA305556547.

ClinVar aggregate classification (germline): Uncertain significance. Review status: criteria provided, multiple submitters, no conflicts (2 of 4 stars). 3 submissions from 3 submitters: Uncertain significance (3). Last evaluated 2024-11-22.

Conditions:
Episodic ataxia type 2 (EA2). Also called: ACETAZOLAMIDE-RESPONSIVE HEREDITARY PAROXYSMAL CEREBELLAR ATAXIA; ATAXIA, EPISODIC, WITH NYSTAGMUS; ATAXIA, FAMILIAL PAROXYSMAL; CEREBELLAR ATAXIA, PAROXYSMAL, ACETAZOLAMIDE-RESPONSIVE; CEREBELLOPATHY, HEREDITARY PAROXYSMAL; EPISODIC ATAXIA, NYSTAGMUS-ASSOCIATED. Identifiers: Orphanet 97, MedGen C1720416, MONDO:0007163, OMIM 108500.
Inborn genetic diseases. Identifiers: MedGen C0950123, MeSH D030342.
Developmental and epileptic encephalopathy, 42 (DEE42A). Also called: DEVELOPMENTAL AND EPILEPTIC ENCEPHALOPATHY 42A; EPILEPTIC ENCEPHALOPATHY, EARLY INFANTILE, 42A; Epileptic encephalopathy, early infantile, 42. Identifiers: MedGen C4310716, MONDO:0014917, OMIM 617106.

Allele frequency attached by ClinVar (database versions not stated): TOPMed below 0.00001; gnomAD 0.00001; gnomAD exomes 0.00001.
gnomAD v4.1: 5 of 1,608,132 alleles (0.00031%); highest among the groups gnomAD compares: African/African-American, 0.0013%; no homozygotes.

Submissions (3):

Labcorp Genetics (formerly Invitae), Labcorp
Classification: Uncertain significance for Developmental and epileptic encephalopathy, 42; Episodic ataxia type 2. Last evaluated: 2024-11-22. Review status: criteria provided, single submitter. Criteria: Invitae Variant Classification Sherloc (09022015). Collection method: clinical testing. Allele origin: germline.
Comment: This sequence change replaces threonine, which is neutral and polar, with isoleucine, which is neutral and non-polar, at codon 1331 of the CACNA1A protein (p.Thr1331Ile). This variant is not present in population databases (gnomAD no frequency). This variant has not been reported in the literature in individuals affected with CACNA1A-related conditions. ClinVar contains an entry for this variant (Variation ID: 588793). An algorithm developed to predict the effect of missense changes on protein structure and function (PolyPhen-2) suggests that this variant is likely to be disruptive. In summary, the available evidence is currently insufficient to determine the role of this variant in disease. Therefore, it has been classified as a Variant of Uncertain Significance.

Ambry Genetics
Classification: Uncertain significance for Inborn genetic diseases. Last evaluated: 2017-02-10. Review status: criteria provided, single submitter. Criteria: Ambry Variant Classification Scheme 2023. Collection method: clinical testing. Allele origin: germline.
Comment: The c.3992C>T variant (also known as p.T1331I), located in coding exon 24 of the CACNA1A gene, results from a C to T substitution at nucleotide position 3992. The amino acid change results in threonine to isoleucine at codon 1331, an amino acid with similar properties. However, this change occurs in the last base pair of coding exon 24, which makes it likely to have some effect on normal mRNA splicing. This amino acid position is well conserved in available vertebrate species. Using the BDGP and ESEfinder splice site prediction tools, this alteration is not predicted to have any significant effect on this splice donor site; however, direct evidence is unavailable. In addition, this alteration is predicted to be deleterious by in silico analysis. Since supporting evidence is limited at this time, the clinical significance of this alteration remains unclear.

Neuberg Centre For Genomic Medicine, NCGM
Classification: Uncertain significance for Episodic ataxia type 2. Review status: criteria provided, single submitter. Criteria: ACMG Guidelines, 2015. Collection method: clinical testing. Allele origin: germline. Inheritance: Autosomal dominant inheritance. Affected: yes.